The following is an entry in ClinVar:

ClinVar aggregate classification (germline): Pathogenic/Likely pathogenic. Review status: criteria provided, multiple submitters, no conflicts (2 of 4 stars). 3 submissions from 3 submitters: Pathogenic (1); Likely pathogenic (2). Last evaluated 2026-07-26.

Conditions:
Autosomal recessive limb-girdle muscular dystrophy type 2J (LGMDR10). Also called: Limb-girdle muscular dystrophy, type 2J; MUSCULAR DYSTROPHY, LIMB-GIRDLE, AUTOSOMAL RECESSIVE 10. Identifiers: Orphanet 140922, MedGen C1837342, MONDO:0012127, OMIM 608807.
Dilated cardiomyopathy 1G (CMD1G). Identifiers: Orphanet 154, MedGen C1858763, MONDO:0011400, OMIM 604145.
Cardiovascular phenotype. Identifiers: MedGen CN230736.

Submissions (3):

GeneDx
Classification: Pathogenic. Last evaluated: 2026-07-26. Review status: criteria provided, single submitter. Criteria: GeneDx Variant Classification Process June 2021. Collection method: clinical testing. Allele origin: germline.
Comment: Frameshift variant predicted to result in protein truncation or nonsense mediated decay in a gene for which loss of function is a known mechanism of disease; Not observed at significant frequency in large population cohorts (gnomAD); Located in the A-band, a region of TTN for which truncating variants are significantly associated with autosomal dominant cardiomyopathy and also with autosomal recessive skeletal myopathies (PMID: 22335739, 32778822); Has not been previously published as pathogenic or benign to our knowledge; This variant is associated with the following publications: (PMID: 24575448, 22335739, 32778822)

Labcorp Genetics (formerly Invitae), Labcorp
Classification: Likely pathogenic for Dilated cardiomyopathy 1G; Autosomal recessive limb-girdle muscular dystrophy type 2J. Last evaluated: 2022-09-27. Review status: criteria provided, single submitter. Criteria: Invitae Variant Classification Sherloc (09022015). Collection method: clinical testing. Allele origin: germline.
Comment: ClinVar contains an entry for this variant (Variation ID: 418530). In summary, the currently available evidence indicates that the variant is pathogenic, but additional data are needed to prove that conclusively. Therefore, this variant has been classified as Likely Pathogenic. This variant is located in the A band of TTN (PMID: 25589632). Truncating variants in this region are significantly overrepresented in patients affected with dilated cardiomyopathy (PMID: 25589632). Truncating variants in this region have also been reported in individuals affected with autosomal recessive centronuclear myopathy (PMID: 23975875). This variant has not been reported in the literature in individuals affected with TTN-related conditions. This variant is not present in population databases (gnomAD no frequency). This sequence change creates a premature translational stop signal (p.Leu26250Tyrfs*4) in the TTN gene. While this is not anticipated to result in nonsense mediated decay, it is expected to create a truncated TTN protein.

Ambry Genetics
Classification: Likely pathogenic for Cardiovascular phenotype. Last evaluated: 2017-03-30. Review status: criteria provided, single submitter. Criteria: Ambry Variant Classification Scheme 2023. Collection method: clinical testing. Allele origin: germline.
Comment: The c.51554delT variant, located in coding exon 153 of the TTN gene, results from a deletion of one nucleotide at nucleotide position 51554, causing a translational frameshift with a predicted alternate stop codon (p.L17185Yfs*4). This exon is located in the A-band region of the N2-B isoform of the titin protein and is constitutively expressed in TTN transcripts (percent spliced in or PSI 100%). While truncating variants in TTN are present in 1-3% of the general population, truncating variants in the A-band are the most common cause of dilated cardiomyopathy (DCM) (Herman DS et al. N. Engl. J. Med. 2012 Feb;366:619-28; Roberts AM et al. Sci Transl Med. 2015 Jan;7:270ra6). TTN truncating variants encoded in constitutive exons (PSI >90%) have been found to be significantly associated with DCM regardless of their position in titin (Schafer S et al. Nat. Genet. 2017 Jan;49:46-53). This alteration is expected to result in loss of function by premature protein truncation or nonsense-mediated mRNA decay. As such, this alteration is classified as likely pathogenic.

Literature cited by the submitters: PubMed 25589632 (cited by Labcorp Genetics (formerly Invitae), Labcorp); PubMed 23975875 (cited by Labcorp Genetics (formerly Invitae), Labcorp).

NM_001267550.2(TTN):c.78749del (p.Leu26250fs)

Genes: TTN (titin; minus strand), TTN-AS1 (TTN antisense RNA 1; plus strand). Cytogenetic location: 2q31.2.
Variant type: Deletion.
Coding change: c.78749del on transcript NM_001267550.2 (MANE Select); coding-DNA position 78749, one base deleted (T; older notation c.78749delT).
Protein change: p.Leu26250fs; shifts the reading frame from leucine 26250.
Molecular consequence: frameshift variant.
Genome position (GRCh38, 1-based): chr2:178,567,383, A deleted on the plus strand (T on the coding strand, the reverse complement: TTN is on the minus strand); the first of 3 consecutive A bases (chr2:178,567,383-178,567,385); deleting any one gives the same sequence. VCF-style (leftmost placement, unchanged base first): chr2-178567382-TA-T. GRCh37 (hg19) VCF-style: chr2-179432109-TA-T.
Other names: c.73826delT (NM_001256850.1); c.51554delT (NM_003319.4); c.78749del (NM_001267550.1); c.73826del, p.Leu24609fs (NM_001256850.1); c.51554del, p.Leu17185fs (NM_003319.4); c.71045del, p.Leu23682fs (NM_133378.4); c.51929del, p.Leu17310fs (NM_133432.3); c.52130del, p.Leu17377fs (NM_133437.4); short protein forms L17377fs, L17185fs, L17310fs, L24609fs, L26250fs, L23682fs.
Identifiers: ClinVar variation 418530 (VCV000418530.15), dbSNP rs1064793285, ClinGen allele CA16617349.